The following is an entry in ClinVar:

ClinVar aggregate classification (germline): Pathogenic (1 of 4 stars; one submission).

Conditions:
Trichorhinophalangeal syndrome, type III (TRPS3). Also called: SUGIO-KAJII SYNDROME. Identifiers: Orphanet 77258, MedGen C1860823, OMIM 190351, MONDO:0008597.
Trichorhinophalangeal dysplasia type I (TRPS1). Also called: TRPS I; TRICHORHINOPHALANGEAL SYNDROME, TYPE I. Identifiers: Orphanet 77258, MedGen C0432233, MONDO:0008596, OMIM 190350.

Submission:

Labcorp Genetics (formerly Invitae), Labcorp
Classification: Pathogenic for Trichorhinophalangeal syndrome, type III; Trichorhinophalangeal dysplasia type I. Last evaluated: 2018-07-08. Review status: criteria provided, single submitter. Criteria: Invitae Variant Classification Sherloc (09022015). Collection method: clinical testing. Allele origin: germline.
Comment: This sequence change creates a premature translational stop signal (p.Glu165Ilefs*25) in the TRPS1 gene. It is expected to result in an absent or disrupted protein product. This variant is not present in population databases (ExAC no frequency). For these reasons, this variant has been classified as Pathogenic. Loss-of-function variants in TRPS1 are known to be pathogenic (PMID: 11112658). This variant has not been reported in the literature in individuals with TRPS1-related disease.

Literature cited by the submitters: PubMed 11112658.

NM_014112.5(TRPS1):c.489_492del (p.Glu165fs)

Gene: TRPS1 (transcriptional repressor GATA binding 1; minus strand). Cytogenetic location: 8q23.3.
Variant type: Deletion.
Coding change: c.489_492del on transcript NM_014112.5 (MANE Select); coding-DNA positions 489 to 492, 4 bases deleted (AAAG; older notation c.489_492delAAAG).
Protein change: p.Glu165fs; shifts the reading frame from glutamic acid 165.
Molecular consequence: frameshift variant.
Genome position (GRCh38, 1-based): chr8:115,619,606-115,619,609, CTTT deleted on the plus strand (AAAG on the coding strand, the reverse complement: TRPS1 is on the minus strand). VCF-style (leftmost placement, unchanged base first): chr8-115619605-CCTTT-C. GRCh37 (hg19) VCF-style: chr8-116631832-CCTTT-C.
Other names: c.462_465del, p.Glu156fs (NM_001282902.3); c.468_471del, p.Glu158fs (NM_001282903.3); c.450_453del, p.Glu152fs (NM_001330599.2); short protein forms E156fs, E165fs, E152fs, E158fs.
Identifiers: ClinVar variation 652109 (VCV000652109.6), dbSNP rs1586464368, ClinGen allele CA915948698.
Genomic context (GRCh38, chr8:115,619,605, plus strand): 5'-CTTGACCACTCTGTGCTTGCCCTGTTTCCTCTGTAGCCTTTGGTGACATCTTCTGATCTT[CCTTT>C]GTCTCCAGTGAGTCCCCTGAGGGGGTGCAGGCCATATCTTGAGGGTCATCTGCCTCTGCT-3'